The following is an entry in ClinVar:

ClinVar aggregate classification (germline): Likely pathogenic (1 of 4 stars; one submission).

Conditions:
Neonatal-onset encephalopathy with rigidity and seizures. Also called: Lethal neonatal spasticity-epileptic encephalopathy syndrome. Identifiers: Orphanet 435845, MedGen C3281029, MONDO:0013784, OMIM 614498.

Submission:

Labcorp Genetics (formerly Invitae), Labcorp
Classification: Likely pathogenic for Neonatal-onset encephalopathy with rigidity and seizures. Last evaluated: 2024-11-13. Review status: criteria provided, single submitter. Criteria: Invitae Variant Classification Sherloc (09022015). Collection method: clinical testing. Allele origin: germline.
Comment: This sequence change affects a donor splice site in intron 7 of the BRAT1 gene. It is expected to disrupt RNA splicing. Variants that disrupt the donor or acceptor splice site typically lead to a loss of protein function (PMID: 16199547), and loss-of-function variants in BRAT1 are known to be pathogenic (PMID: 22279524, 25500575). This variant is not present in population databases (gnomAD no frequency). This variant has not been reported in the literature in individuals affected with BRAT1-related conditions. Algorithms developed to predict the effect of sequence changes on RNA splicing suggest that this variant may disrupt the consensus splice site. In summary, the currently available evidence indicates that the variant is pathogenic, but additional data are needed to prove that conclusively. Therefore, this variant has been classified as Likely Pathogenic.

Literature cited by the submitters: PubMed 16199547; PubMed 22279524; PubMed 25500575.

NM_152743.4(BRAT1):c.1015+1G>T

Gene: BRAT1 (BRCA1 associated ATM activator 1; minus strand). Cytogenetic location: 7p22.3.
Variant type: single nucleotide variant.
Coding change: c.1015+1G>T on transcript NM_152743.4 (MANE Select); the canonical splice donor site of the intron after coding-DNA position 1015, G replaced by T.
Molecular consequence: splice donor variant.
Genome position (GRCh38, 1-based): chr7:2,542,119, C>A on the plus strand (G>T on the coding strand, the complement: BRAT1 is on the minus strand). VCF-style: chr7-2542119-C-A. GRCh37 (hg19) VCF-style: chr7-2581753-C-A.
Other names: c.490+1G>T (NM_001350627.2); c.1015+1G>T (NM_001350626.2).
Identifiers: ClinVar variation 3725148 (VCV003725148.2).